The following is an entry in ClinVar:

NM_001160148.2(DDHD1):c.2299C>T (p.Arg767Cys)

Gene: DDHD1 (DDHD domain containing 1; minus strand). Cytogenetic location: 14q22.1.
Variant type: single nucleotide variant.
Coding change: c.2299C>T on transcript NM_001160148.2 (MANE Select); coding-DNA position 2299, C replaced by T.
Protein change: p.Arg767Cys; replaces arginine 767 with cysteine.
Molecular consequence: missense variant.
Genome position (GRCh38, 1-based): chr14:53,054,576, G>A on the plus strand (C>T on the coding strand, the complement: DDHD1 is on the minus strand). VCF-style: chr14-53054576-G-A. GRCh37 (hg19) VCF-style: chr14-53521294-G-A.
Other names: c.2320C>T, p.Arg774Cys (NM_001160147.2); c.2299C>T, p.Arg767Cys (NM_030637.3); short protein forms R767C, R774C.
Identifiers: ClinVar variation 373562 (VCV000373562.8), dbSNP rs1057518484, ClinGen allele CA16042897.

ClinVar aggregate classification (germline): Uncertain significance. Review status: criteria provided, multiple submitters, no conflicts (2 of 4 stars). 3 submissions from 3 submitters: Uncertain significance (3). Last evaluated 2026-01-05.

Conditions:
Hereditary spastic paraplegia 28. Also called: Spastic paraplegia 28, autosomal recessive. Identifiers: Orphanet 101008, MedGen C1836295, MONDO:0012256, OMIM 609340.
Hereditary spastic paraplegia. Also called: Familial spastic paraparesis. Identifiers: Orphanet 685, MedGen C0037773, MONDO:0019064. Disease mechanism: loss of function.

Allele frequency attached by ClinVar (database versions not stated): gnomAD exomes below 0.00001.
gnomAD v4.1: 9 of 1,613,994 alleles (0.00056%); highest among the groups gnomAD compares: Admixed American, 0.0017%; no homozygotes.

Submissions (3):

Labcorp Genetics (formerly Invitae), Labcorp
Classification: Uncertain significance for Hereditary spastic paraplegia 28. Last evaluated: 2026-01-05. Review status: criteria provided, single submitter. Criteria: Invitae Variant Classification Sherloc (09022015). Collection method: clinical testing. Allele origin: germline.
Comment: This sequence change replaces arginine, which is basic and polar, with cysteine, which is neutral and slightly polar, at codon 774 of the DDHD1 protein (p.Arg774Cys). This variant is present in population databases (no rsID available, gnomAD 0.003%). This variant has not been reported in the literature in individuals affected with DDHD1-related conditions. ClinVar contains an entry for this variant (Variation ID: 373562). Invitae Evidence Modeling of protein sequence and biophysical properties (such as structural, functional, and spatial information, amino acid conservation, physicochemical variation, residue mobility, and thermodynamic stability) has been performed for this missense variant. However, the output from this modeling did not meet the statistical confidence thresholds required to predict the impact of this variant on DDHD1 protein function. In summary, the available evidence is currently insufficient to determine the role of this variant in disease. Therefore, it has been classified as a Variant of Uncertain Significance.

Genome Diagnostics Laboratory, The Hospital for Sick Children
Classification: Uncertain significance for Hereditary spastic paraplegia. Last evaluated: 2016-12-12. Review status: criteria provided, single submitter. Criteria: ACMG Guidelines, 2015. Collection method: clinical testing. Allele origin: germline. Affected: yes.

GeneDx
Classification: Uncertain significance. Last evaluated: 2016-12-02. Review status: criteria provided, single submitter. Criteria: GeneDx Variant Classification (06012015). Collection method: clinical testing. Allele origin: germline. Affected: yes.
Comment: The R774C variant in the DDHD1 gene has not been reported previously as a pathogenic variant, nor as a benign variant, to our knowledge. The R774C variant was not observed in approximately 6,500 individuals of European and African American ancestry in the NHLBI Exome Sequencing Project, indicating it is not a common benign variant in these populations. The R774C variant is a non-conservative amino acid substitution, which is likely to impact secondary protein structure as these residues differ in polarity, charge, size and/or other properties. This substitution occurs at a position that is conserved across species. In silico analysis predicts this variant is probably damaging to the protein structure/function. We interpret R774C as a variant of uncertain significance.